The following is an entry in ClinVar:

NM_004656.4(BAP1):c.358A>T (p.Lys120Ter)

Gene: BAP1 (BRCA1 associated protein 1; minus strand). Cytogenetic location: 3p21.1.
Variant type: single nucleotide variant.
Coding change: c.358A>T on transcript NM_004656.4 (MANE Select); coding-DNA position 358, A replaced by T.
Protein change: p.Lys120Ter; replaces lysine 120 with a stop codon.
Molecular consequence: nonsense.
Genome position (GRCh38, 1-based): chr3:52,407,975, T>A on the plus strand (A>T on the coding strand, the complement: BAP1 is on the minus strand). VCF-style: chr3-52407975-T-A. GRCh37 (hg19) VCF-style: chr3-52441991-T-A.
Other names: short protein forms K120*.
Identifiers: ClinVar variation 1338623 (VCV001338623.4), dbSNP rs774573926, ClinGen allele CA353111778.
Genomic context (GRCh38, chr3:52,407,975, plus strand): 5'-TGCCCAGTTGGCTGTGAGCCAGGATGAAGGCACTGCAGCCTACCTCAGGGCTGAAACCCT[T>A]GGTGAAGTCCTTCATGCGACTCAGGGTGGGTCCCAGGTCCACGCTGCTGCAGTTCAGGAG-3'

ClinVar aggregate classification (germline): Likely pathogenic (1 of 4 stars; one submission).

Submission:

Genetic Services Laboratory, University of Chicago
Classification: Likely pathogenic. Last evaluated: 2021-08-09. Review status: criteria provided, single submitter. Criteria: ACMG Guidelines, 2015. Collection method: clinical testing. Allele origin: germline. Affected: yes.
Comment: DNA sequence analysis of the BAP1 gene demonstrated a sequence change, c.358A>T, in exon 5 that results in the creation of a premature stop codon at amino acid position 120, p.Lys120*. This sequence change is predicted to result in an abnormal transcript, which may be degraded, or may lead to the production of a truncated BAP1 protein with potentially abnormal function. Loss of function variants are known to be disease causing in the BAP1 gene. While this sequence change has not previously been described in the literature, other downstream truncating variants have been described in patients with cutaneous melanoma and mesothelioma (PMIDs: 30517737, 30975761). This sequence change is absent in the gnomAD population database. These collective evidences indicate that the p.Lys120* change is likely pathogenic, however functional studies have not been performed to prove this conclusively.